The following is an entry in ClinVar:

ClinVar aggregate classification (germline): Uncertain significance (1 of 4 stars; one submission).

Conditions:
Cornelia de Lange syndrome 4 (CDLS4). Also called: RAD21-Related Cornelia de Lange Syndrome; CORNELIA DE LANGE SYNDROME 4 WITH OR WITHOUT MIDLINE BRAIN DEFECTS. Identifiers: Orphanet 199, MedGen C3553517, MONDO:0013864, OMIM 614701.

Submission:

Labcorp Genetics (formerly Invitae), Labcorp
Classification: Uncertain significance for Cornelia de Lange syndrome 4. Last evaluated: 2025-04-07. Review status: criteria provided, single submitter. Criteria: Invitae Variant Classification Sherloc (09022015). Collection method: clinical testing. Allele origin: germline.
Comment: This sequence change replaces proline, which is neutral and non-polar, with alanine, which is neutral and non-polar, at codon 505 of the RAD21 protein (p.Pro505Ala). This variant is not present in population databases (gnomAD no frequency). This variant has not been reported in the literature in individuals affected with RAD21-related conditions. ClinVar contains an entry for this variant (Variation ID: 3690360). Invitae Evidence Modeling of protein sequence and biophysical properties (such as structural, functional, and spatial information, amino acid conservation, physicochemical variation, residue mobility, and thermodynamic stability) has been performed for this missense variant. However, the output from this modeling did not meet the statistical confidence thresholds required to predict the impact of this variant on RAD21 protein function. In summary, the available evidence is currently insufficient to determine the role of this variant in disease. Therefore, it has been classified as a Variant of Uncertain Significance.

NM_006265.3(RAD21):c.1513C>G (p.Pro505Ala)

Gene: RAD21 (RAD21 cohesin complex component; minus strand). Cytogenetic location: 8q24.11.
Variant type: single nucleotide variant.
Coding change: c.1513C>G on transcript NM_006265.3 (MANE Select); coding-DNA position 1513, C replaced by G.
Protein change: p.Pro505Ala; replaces proline 505 with alanine.
Molecular consequence: missense variant.
Genome position (GRCh38, 1-based): chr8:116,850,725, G>C on the plus strand (C>G on the coding strand, the complement: RAD21 is on the minus strand). VCF-style: chr8-116850725-G-C. GRCh37 (hg19) VCF-style: chr8-117862964-G-C.
Other names: short protein forms P505A.
Identifiers: ClinVar variation 3690360 (VCV003690360.2).